The following is an entry in ClinVar:

NM_024675.4(PALB2):c.821del (p.Thr274fs)

Gene: PALB2 (partner and localizer of BRCA2; minus strand). Cytogenetic location: 16p12.2.
Variant type: Deletion.
Coding change: c.821del on transcript NM_024675.4 (MANE Select); coding-DNA position 821, one base deleted (C; older notation c.821delC).
Protein change: p.Thr274fs; shifts the reading frame from threonine 274.
Molecular consequence: frameshift variant. On other transcripts: 5 prime UTR variant (8), intron variant (3).
Genome position (GRCh38, 1-based): chr16:23,635,725, G deleted on the plus strand (C on the coding strand, the reverse complement: PALB2 is on the minus strand). VCF-style (leftmost placement, unchanged base first): chr16-23635724-AG-A. GRCh37 (hg19) VCF-style: chr16-23647045-AG-A.
Other names: c.761del, p.Thr254fs (NM_001407296.1); c.821del, p.Thr274fs (NM_001407297.1, NM_001407298.1, NM_001407299.1 and 3 more transcripts); c.-65del (NM_001407304.1, NM_001407305.1, NM_001407306.1 and 5 more transcripts); c.48+5385del (NM_001407314.1); c.-104-5256del (NM_001407313.1, NM_001407312.1); short protein forms T254fs, T274fs.
Identifiers: ClinVar variation 2674120 (VCV002674120.1), dbSNP rs2506498901, ClinGen allele CA2695197536.

ClinVar aggregate classification (germline): Pathogenic (1 of 4 stars; one submission).

Conditions:
Familial cancer of breast. Also called: Hereditary breast cancer; BREAST CANCER, FAMILIAL; hereditary breast carcinoma. Identifiers: Orphanet 227535, MedGen C0346153, MONDO:0016419, OMIM 114480. Disease mechanism: loss of function.

Submission:

Myriad Genetics, Inc.
Classification: Pathogenic for Familial cancer of breast. Last evaluated: 2023-09-07. Review status: criteria provided, single submitter. Criteria: Myriad Autosomal Dominant, Autosomal Recessive and X-Linked Classification Criteria (2023). Collection method: clinical testing. Allele origin: unknown.
Comment: This variant is considered pathogenic. This variant creates a frameshift predicted to result in premature protein truncation.